The following is an entry in ClinVar:

NM_000079.4(CHRNA1):c.628T>C (p.Tyr210His)

Gene: CHRNA1 (cholinergic receptor nicotinic alpha 1 subunit; minus strand). Cytogenetic location: 2q31.1.
Variant type: single nucleotide variant.
Coding change: c.628T>C on transcript NM_000079.4 (MANE Select); coding-DNA position 628, T replaced by C.
Protein change: p.Tyr210His; replaces tyrosine 210 with histidine.
Molecular consequence: missense variant.
Genome position (GRCh38, 1-based): chr2:174,753,653, A>G on the plus strand (T>C on the coding strand, the complement: CHRNA1 is on the minus strand). VCF-style: chr2-174753653-A-G. GRCh37 (hg19) VCF-style: chr2-175618381-A-G.
Other names: c.703T>C, p.Tyr235His (NM_001039523.3); short protein forms Y210H, Y235H.
Identifiers: ClinVar variation 4078279 (VCV004078279.2).

ClinVar aggregate classification (germline): Uncertain significance. Review status: criteria provided, multiple submitters, no conflicts (2 of 4 stars). 2 submissions from 2 submitters: Uncertain significance (2). Last evaluated 2025-08-17.

Conditions:
Lethal multiple pterygium syndrome (LMPS). Identifiers: Orphanet 33108, MedGen C1854678, MONDO:0009668, OMIM 253290.

gnomAD v4.1: 3 of 1,614,082 alleles (0.00019%); highest among the groups gnomAD compares: Non-Finnish European, 0.00017%; no homozygotes.

Submissions (2):

Labcorp Genetics (formerly Invitae), Labcorp
Classification: Uncertain significance for Lethal multiple pterygium syndrome. Last evaluated: 2025-08-17. Review status: criteria provided, single submitter. Criteria: Invitae Variant Classification Sherloc (09022015). Collection method: clinical testing. Allele origin: germline.
Comment: This sequence change replaces tyrosine, which is neutral and polar, with histidine, which is basic and polar, at codon 210 of the CHRNA1 protein (p.Tyr210His). This variant is not present in population databases (gnomAD no frequency). This variant has not been reported in the literature in individuals affected with CHRNA1-related conditions. Invitae Evidence Modeling of protein sequence and biophysical properties (such as structural, functional, and spatial information, amino acid conservation, physicochemical variation, residue mobility, and thermodynamic stability) indicates that this missense variant is not expected to disrupt CHRNA1 protein function with a negative predictive value of 80%. In summary, the available evidence is currently insufficient to determine the role of this variant in disease. Therefore, it has been classified as a Variant of Uncertain Significance.

Revvity Omics, Revvity
Classification: Uncertain significance. Last evaluated: 2025-05-27. Review status: criteria provided, single submitter. Criteria: ACMG Guidelines, 2015. Collection method: clinical testing. Allele origin: germline.